The following is an entry in ClinVar:

NM_032444.4(SLX4):c.3801T>C (p.Arg1267=)

Gene: SLX4 (SLX4 structure-specific endonuclease subunit; minus strand). Cytogenetic location: 16p13.3.
Variant type: single nucleotide variant.
Coding change: c.3801T>C on transcript NM_032444.4 (MANE Select); coding-DNA position 3801, T replaced by C.
Protein change: p.Arg1267=; no amino-acid change (arginine 1267 retained).
Molecular consequence: synonymous variant.
Genome position (GRCh38, 1-based): chr16:3,589,837, A>G on the plus strand (T>C on the coding strand, the complement: SLX4 is on the minus strand). VCF-style: chr16-3589837-A-G. GRCh37 (hg19) VCF-style: chr16-3639838-A-G.
Other names: c.3801T>C (LRG_503t1, NM_032444.3).
Identifiers: ClinVar variation 414727 (VCV000414727.24), dbSNP rs772673695, ClinGen allele CA7865829.
Genomic context (GRCh38, chr16:3,589,837, plus strand): 5'-CACCGCCTGCACGGCCAGCCCGCTCCTGAGGCTGCTGATTTGGGTCTGGGAAGAACAGTC[A>G]CGGCTTCTGCTGGCCAGCGGGGTGGCGGGCACCAGCCACGAGGTGTCTGTGGTGCTGGCC-3'
Protein context (NP_115820.2, residues 1257-1277): VPATPLASRS[Arg1267=]DCSSQTQISS

ClinVar aggregate classification (germline): Likely benign. Review status: criteria provided, multiple submitters, no conflicts (2 of 4 stars). 4 submissions from 4 submitters: Likely benign (4). Last evaluated 2026-05-22.

Conditions:
SLX4-related disorder. Also called: SLX4-related condition.
Fanconi anemia (FA). Also called: Fanconi's anemia. Identifiers: Orphanet 84, MedGen C0015625, MeSH D005199, MONDO:0019391.

Allele frequency attached by ClinVar (database versions not stated): TOPMed 0.00001; gnomAD exomes 0.00002 and 0.00003; ExAC 0.00003; gnomAD 0.00004 and 0.00005.
gnomAD v4.1: 37 of 1,613,348 alleles (0.0023%); highest among the groups gnomAD compares: Non-Finnish European, 0.0027%; no homozygotes.

Submissions (4):

PreventionGenetics, part of Exact Sciences
Classification: Likely benign for SLX4-related condition. Last evaluated: 2026-05-22. Review status: criteria provided, single submitter. Criteria: ACMG Guidelines, 2015. Collection method: clinical testing. Allele origin: germline.
Comment: This variant is classified as likely benign based on ACMG/AMP sequence variant interpretation guidelines (Richards et al. 2015 PMID: 25741868, with internal and published modifications).

Labcorp Genetics (formerly Invitae), Labcorp
Classification: Likely benign for Fanconi anemia. Last evaluated: 2026-01-07. Review status: criteria provided, single submitter. Criteria: Invitae Variant Classification Sherloc (09022015). Collection method: clinical testing. Allele origin: germline.

CeGaT Center for Human Genetics Tuebingen
Classification: Likely benign. Last evaluated: 2025-08-01. Review status: criteria provided, single submitter. Criteria: CeGaT Center For Human Genetics Tuebingen Variant Classification Criteria Version 2. Collection method: clinical testing. Allele origin: germline. Affected: yes. Observed: 2 variant alleles.
Comment: SLX4: BP4, BP7

Breakthrough Genomics
Classification: Likely benign. Review status: criteria provided, single submitter. Criteria: ACMG Guidelines, 2015. Collection method: not provided. Allele origin: germline. Inheritance: Autosomal recessive inheritance. Affected: yes.